The following is an entry in ClinVar:

NM_001034853.2(RPGR):c.2053G>C (p.Glu685Gln)

Gene: RPGR (retinitis pigmentosa GTPase regulator; minus strand). Cytogenetic location: Xp11.4.
Variant type: single nucleotide variant.
Coding change: c.2053G>C on transcript NM_001034853.2 (MANE Select); coding-DNA position 2053, G replaced by C.
Protein change: p.Glu685Gln; replaces glutamic acid 685 with glutamine.
Molecular consequence: missense variant. On other transcripts: intron variant (8).
Genome position (GRCh38, 1-based): chrX:38,286,946, C>G on the plus strand (G>C on the coding strand, the complement: RPGR is on the minus strand). VCF-style: chrX-38286946-C-G. GRCh37 (hg19) VCF-style: chrX-38146199-C-G.
Other names: c.1569+4013G>C (NM_001367249.1, NM_001367250.1); c.1902+148G>C (NM_001367245.1); c.1386+4013G>C (NM_001367251.1); c.1719+148G>C (NM_001367246.1); c.1572+4013G>C (NM_001367247.1); c.1905+148G>C (NM_000328.3); c.1602+4013G>C (NM_001367248.1); short protein forms E685Q.
Identifiers: ClinVar variation 2913350 (VCV002913350.3), dbSNP rs1359767393, ClinGen allele CA412731566.

ClinVar aggregate classification (germline): Uncertain significance (1 of 4 stars; one submission).

Conditions:
Primary ciliary dyskinesia. Also called: Ciliary dyskinesia. Identifiers: Orphanet 244, MedGen C0008780, MONDO:0016575, HP:0012265.

gnomAD v4.1: 9 of 1,208,903 alleles (0.00074%); highest among the groups gnomAD compares: Non-Finnish European, 0.001%; no homozygotes.

Submission:

Labcorp Genetics (formerly Invitae), Labcorp
Classification: Uncertain significance for Primary ciliary dyskinesia. Last evaluated: 2023-03-16. Review status: criteria provided, single submitter. Criteria: Invitae Variant Classification Sherloc (09022015). Collection method: clinical testing. Allele origin: germline.
Comment: Advanced modeling of protein sequence and biophysical properties (such as structural, functional, and spatial information, amino acid conservation, physicochemical variation, residue mobility, and thermodynamic stability) performed at Invitae indicates that this missense variant is not expected to disrupt RPGR (ORF15) protein function. This variant has not been reported in the literature in individuals affected with RPGR (ORF15)-related conditions. This variant is not present in population databases (gnomAD no frequency). This sequence change replaces glutamic acid, which is acidic and polar, with glutamine, which is neutral and polar, at codon 685 of the RPGR (ORF15) protein (p.Glu685Gln). In summary, the available evidence is currently insufficient to determine the role of this variant in disease. Therefore, it has been classified as a Variant of Uncertain Significance.